The following is an entry in ClinVar:

NM_177438.3(DICER1):c.1256A>C (p.Asp419Ala)

Gene: DICER1 (dicer 1, ribonuclease III; minus strand). Cytogenetic location: 14q32.13.
Variant type: single nucleotide variant.
Coding change: c.1256A>C on transcript NM_177438.3 (MANE Select); coding-DNA position 1256, A replaced by C.
Protein change: p.Asp419Ala; replaces aspartic acid 419 with alanine.
Molecular consequence: missense variant. On other transcripts: 5 prime UTR variant (1), non-coding transcript variant (6).
Genome position (GRCh38, 1-based): chr14:95,124,316, T>G on the plus strand (A>C on the coding strand, the complement: DICER1 is on the minus strand). VCF-style: chr14-95124316-T-G. GRCh37 (hg19) VCF-style: chr14-95590653-T-G.
Other names: c.1256A>C, p.Asp419Ala (NM_001195573.1, NM_001271282.3, NM_001291628.2 and 15 more transcripts); c.974A>C, p.Asp325Ala (NM_001395686.1); c.851A>C, p.Asp284Ala (NM_001395687.1, NM_001395688.1, NM_001395689.1 and 3 more transcripts); c.689A>C, p.Asp230Ala (NM_001395691.1); c.-313A>C (NM_001395697.1); short protein forms D230A, D284A, D325A, D419A.
Identifiers: ClinVar variation 1716497 (VCV001716497.7), dbSNP rs1060503623, ClinGen allele CA390886471.

ClinVar aggregate classification (germline): Uncertain significance. Review status: criteria provided, multiple submitters, no conflicts (2 of 4 stars). 2 submissions from 2 submitters: Uncertain significance (2). Last evaluated 2026-06-14.

Conditions:
DICER1-related tumor predisposition. Also called: DICER1-related pleuropulmonary blastoma cancer predisposition syndrome; DICER1 syndrome. Identifiers: Orphanet 284343, MedGen C3839822, MONDO:0100216.
Hereditary cancer-predisposing syndrome. Also called: Hereditary Cancer Syndrome; Neoplastic Syndromes, Hereditary; Hereditary neoplastic syndrome; Tumor predisposition. Identifiers: Orphanet 140162, MedGen C0027672, MeSH D009386, MONDO:0015356.

Submissions (2):

Ambry Genetics
Classification: Uncertain significance for Hereditary cancer-predisposing syndrome. Last evaluated: 2026-06-14. Review status: criteria provided, single submitter. Criteria: Ambry Variant Classification Scheme 2023. Collection method: clinical testing. Allele origin: germline.
Comment: The p.D419A variant (also known as c.1256A>C), located in coding exon 7 of the DICER1 gene, results from an A to C substitution at nucleotide position 1256. The aspartic acid at codon 419 is replaced by alanine, an amino acid with dissimilar properties. This amino acid position is conserved. In addition, this alteration is predicted to be tolerated by in silico analysis. Based on the available evidence, the clinical significance of this variant remains unclear.

Labcorp Genetics (formerly Invitae), Labcorp
Classification: Uncertain significance for DICER1-related tumor predisposition. Last evaluated: 2022-08-16. Review status: criteria provided, single submitter. Criteria: Invitae Variant Classification Sherloc (09022015). Collection method: clinical testing. Allele origin: germline.
Comment: In summary, the available evidence is currently insufficient to determine the role of this variant in disease. Therefore, it has been classified as a Variant of Uncertain Significance. Algorithms developed to predict the effect of missense changes on protein structure and function (SIFT, PolyPhen-2, Align-GVGD) all suggest that this variant is likely to be tolerated. This variant has not been reported in the literature in individuals affected with DICER1-related conditions. This variant is not present in population databases (gnomAD no frequency). This sequence change replaces aspartic acid, which is acidic and polar, with alanine, which is neutral and non-polar, at codon 419 of the DICER1 protein (p.Asp419Ala).